The following is an entry in ClinVar:

NM_005076.5(CNTN2):c.1666C>G (p.Pro556Ala)

Gene: CNTN2 (contactin 2; plus strand). Cytogenetic location: 1q32.1.
Variant type: single nucleotide variant.
Coding change: c.1666C>G on transcript NM_005076.5 (MANE Select); coding-DNA position 1666, C replaced by G.
Protein change: p.Pro556Ala; replaces proline 556 with alanine.
Molecular consequence: missense variant. On other transcripts: non-coding transcript variant (1).
Genome position (GRCh38, 1-based): chr1:205,065,233, C>G. VCF-style: chr1-205065233-C-G. GRCh37 (hg19) VCF-style: chr1-205034361-C-G.
Other names: c.1666C>G, p.Pro556Ala (NM_001346083.2); short protein forms P556A.
Identifiers: ClinVar variation 422165 (VCV000422165.2), dbSNP rs1064795601, ClinGen allele CA16617043.
Genomic context (GRCh38, chr1:205,065,233, plus strand): 5'-CCCACCATGGACCTCACCTTCACCTGGACCCTGGACGACTTCCCCATCGACTTTGATAAG[C>G]CTGGAGGGCACTACCGGAGAACTAATGTGGTGAGACCTAGGGCCAGAGCCCCATGGCTTC-3'
Protein context (NP_005067.1, residues 546-566): LDDFPIDFDK[Pro556Ala]GGHYRRTNVK

ClinVar aggregate classification (germline): Uncertain significance (1 of 4 stars; one submission).

Allele frequency attached by ClinVar (database versions not stated): TOPMed 0.00001; gnomAD 0.00003.
gnomAD v4.1: 9 of 1,614,054 alleles (0.00056%); highest among the groups gnomAD compares: Non-Finnish European, 0.00068%; no homozygotes.

Submission:

GeneDx
Classification: Uncertain significance. Last evaluated: 2016-09-09. Review status: criteria provided, single submitter. Criteria: GeneDx Variant Classification (06012015). Collection method: clinical testing. Allele origin: germline. Affected: yes.
Comment: The P556A variant in the CNTN2 gene has not been reported previously as a pathogenic variant, nor as a benign variant, to our knowledge. The P556A variant was not observed in approximately 6,500 individuals of European and African American ancestry in the NHLBI Exome Sequencing Project, indicating it is not a common benign variant in these populations. The P556A variant is a semi-conservative amino acid substitution, which may impact secondary protein structure as these residues differ in some properties. This substitution occurs at a position that is not conserved. In silico analysis is inconsistent in its predictions as to whether or not the variant is damaging to the protein structure/function. We interpret P556A as a variant of uncertain significance.